The following is an entry in ClinVar:

NM_005450.6(NOG):c.167C>G (p.Pro56Arg)

Gene: NOG (noggin; plus strand). Cytogenetic location: 17q22.
Variant type: single nucleotide variant.
Coding change: c.167C>G on transcript NM_005450.6 (MANE Select); coding-DNA position 167, C replaced by G.
Protein change: p.Pro56Arg; replaces proline 56 with arginine.
Molecular consequence: missense variant.
Genome position (GRCh38, 1-based): chr17:56,594,390, C>G. VCF-style: chr17-56594390-C-G. GRCh37 (hg19) VCF-style: chr17-54671751-C-G.
Other names: short protein forms P56R.
Identifiers: ClinVar variation 3727547 (VCV003727547.2).

ClinVar aggregate classification (germline): Likely pathogenic (1 of 4 stars; one submission).

Submission:

Labcorp Genetics (formerly Invitae), Labcorp
Classification: Likely pathogenic. Last evaluated: 2025-02-04. Review status: criteria provided, single submitter. Criteria: Invitae Variant Classification Sherloc (09022015). Collection method: clinical testing. Allele origin: germline.
Comment: This sequence change replaces proline, which is neutral and non-polar, with arginine, which is basic and polar, at codon 56 of the NOG protein (p.Pro56Arg). This variant is not present in population databases (gnomAD no frequency). This missense change has been observed in individual(s) with proximal symphalangism (internal data). In at least one individual the variant was observed to be de novo. An algorithm developed to predict the effect of missense changes on protein structure and function (PolyPhen-2) suggests that this variant is likely to be disruptive. In summary, the currently available evidence indicates that the variant is pathogenic, but additional data are needed to prove that conclusively. Therefore, this variant has been classified as Likely Pathogenic.